The following is an entry in ClinVar:

NM_003238.6(TGFB2):c.291_293dup (p.Tyr98Ter)

Gene: TGFB2 (transforming growth factor beta 2; plus strand). Cytogenetic location: 1q41.
Variant type: Duplication.
Coding change: c.291_293dup on transcript NM_003238.6 (MANE Select); coding-DNA positions 291 to 293, 3 bases duplicated (GTA; older notation c.291_293dupGTA).
Protein change: p.Tyr98Ter; replaces tyrosine 98 with a stop codon.
Molecular consequence: nonsense. On other transcripts: non-coding transcript variant (2).
Genome position (GRCh38, 1-based): chr1:218,346,992-218,346,994, GTA duplicated; duplicating any 3 consecutive bases within chr1:218,346,991-218,346,994 gives the same sequence; the c. name uses the placement nearest the transcript's 3' end. VCF-style (leftmost placement, unchanged base first): chr1-218346990-G-GAGT. GRCh37 (hg19) VCF-style: chr1-218520332-G-GAGT.
Other names: c.291_293dup, p.Tyr98Ter (NM_001135599.4); short protein forms Y98*.
Identifiers: ClinVar variation 2845458 (VCV002845458.4), dbSNP rs2464550705, ClinGen allele CA2739275664.

ClinVar aggregate classification (germline): Pathogenic/Likely pathogenic. Review status: criteria provided, multiple submitters, no conflicts (2 of 4 stars). 2 submissions from 2 submitters: Pathogenic (1); Likely pathogenic (1). Last evaluated 2023-03-13.

Conditions:
TGFB2-related disorder. Also called: TGFB2-related condition.
Loeys-Dietz syndrome 4 (LDS4). Also called: ANEURYSM, AORTIC AND CEREBRAL, WITH ARTERIAL TORTUOSITY AND SKELETAL MANIFESTATIONS; TGFB2-Related Loeys-Dietz Syndrome. Identifiers: MedGen C3553762, MONDO:0013897, OMIM 614816.

Submissions (2):

Labcorp Genetics (formerly Invitae), Labcorp
Classification: Pathogenic for Loeys-Dietz syndrome 4. Last evaluated: 2023-03-13. Review status: criteria provided, single submitter. Criteria: Invitae Variant Classification Sherloc (09022015). Collection method: clinical testing. Allele origin: germline.
Comment: This variant has not been reported in the literature in individuals affected with TGFB2-related conditions. For these reasons, this variant has been classified as Pathogenic. This variant is not present in population databases (gnomAD no frequency). This sequence change creates a premature translational stop signal (p.Tyr98*) in the TGFB2 gene. It is expected to result in an absent or disrupted protein product. Loss-of-function variants in TGFB2 are known to be pathogenic (PMID: 22772368, 22772371, 30739908).

Blueprint Genetics
Classification: Likely pathogenic for TGFB2-related disorders. Last evaluated: 2022-07-13. Review status: criteria provided, single submitter. Criteria: ACMG Guidelines, 2015. Collection method: clinical testing. Allele origin: germline. Affected: yes. Observed: 1 variant allele.

Literature cited by the submitters: PubMed 22772368 (cited by Labcorp Genetics (formerly Invitae), Labcorp); PubMed 22772371 (cited by Labcorp Genetics (formerly Invitae), Labcorp); PubMed 30739908 (cited by Labcorp Genetics (formerly Invitae), Labcorp).